The following is an entry in ClinVar:

ClinVar aggregate classification (germline): Uncertain significance. Review status: criteria provided, multiple submitters, no conflicts (2 of 4 stars). 2 submissions from 2 submitters: Uncertain significance (2). Last evaluated 2024-04-23.

Allele frequency attached by ClinVar (database versions not stated): ExAC 0.00001; gnomAD exomes 0.00001.

Submissions (2):

Ambry Genetics
Classification: Uncertain significance. Last evaluated: 2024-04-23. Review status: criteria provided, single submitter. Criteria: Ambry Variant Classification Scheme 2023. Collection method: clinical testing. Allele origin: germline.

Centre of Medical Genetics, University Hospital Muenster
Classification: Uncertain significance. Last evaluated: 2021-12-15. Review status: criteria provided, single submitter. Criteria: ACMG Guidelines, 2015. Collection method: clinical testing. Allele origin: unknown. Affected: yes. Observed: 1 variant allele, 1 heterozygote.
Comment: ACMG categories: PM2

NM_001012759.3(CTU2):c.1526A>G (p.Asp509Gly)

Gene: CTU2 (cytosolic thiouridylase subunit 2; plus strand). Cytogenetic location: 16q24.3.
Variant type: single nucleotide variant.
Coding change: c.1526A>G on transcript NM_001012759.3 (MANE Select); coding-DNA position 1526, A replaced by G.
Protein change: p.Asp509Gly; replaces aspartic acid 509 with glycine.
Molecular consequence: missense variant. On other transcripts: 3 prime UTR variant (1).
Genome position (GRCh38, 1-based): chr16:88,715,229, A>G. VCF-style: chr16-88715229-A-G. GRCh37 (hg19) VCF-style: chr16-88781637-A-G.
Other names: c.*9A>G (NM_001012762.3); c.1739A>G, p.Asp580Gly (NM_001318507.2); c.1265A>G, p.Asp422Gly (NM_001318513.2); short protein forms D422G, D509G, D580G.
Identifiers: ClinVar variation 1708279 (VCV001708279.3), dbSNP rs773387253, ClinGen allele CA8231247.